The following is an entry in ClinVar:

ClinVar aggregate classification (germline): Uncertain significance. Review status: criteria provided, multiple submitters, no conflicts (2 of 4 stars). 2 submissions from 2 submitters: Uncertain significance (2). Last evaluated 2025-03-05.

Allele frequency attached by ClinVar (database versions not stated): gnomAD exomes 0.00001; TOPMed 0.00003.

Submissions (2):

Labcorp Genetics (formerly Invitae), Labcorp
Classification: Uncertain significance. Last evaluated: 2025-03-05. Review status: criteria provided, single submitter. Criteria: Invitae Variant Classification Sherloc (09022015). Collection method: clinical testing. Allele origin: germline.
Comment: This sequence change replaces valine, which is neutral and non-polar, with glycine, which is neutral and non-polar, at codon 194 of the LRRC10 protein (p.Val194Gly). This variant is not present in population databases (gnomAD no frequency). This variant has not been reported in the literature in individuals affected with LRRC10-related conditions. ClinVar contains an entry for this variant (Variation ID: 3120386). An algorithm developed to predict the effect of missense changes on protein structure and function (PolyPhen-2) suggests that this variant is likely to be disruptive. In summary, the available evidence is currently insufficient to determine the role of this variant in disease. Therefore, it has been classified as a Variant of Uncertain Significance.

Ambry Genetics
Classification: Uncertain significance. Last evaluated: 2024-02-12. Review status: criteria provided, single submitter. Criteria: Ambry Variant Classification Scheme 2023. Collection method: clinical testing. Allele origin: germline.

NM_201550.4(LRRC10):c.581T>G (p.Val194Gly)

Gene: LRRC10 (leucine rich repeat containing 10; minus strand). Cytogenetic location: 12q15.
Variant type: single nucleotide variant.
Coding change: c.581T>G on transcript NM_201550.4 (MANE Select); coding-DNA position 581, T replaced by G.
Protein change: p.Val194Gly; replaces valine 194 with glycine.
Molecular consequence: missense variant.
Genome position (GRCh38, 1-based): chr12:69,610,258, A>C on the plus strand (T>G on the coding strand, the complement: LRRC10 is on the minus strand). VCF-style: chr12-69610258-A-C. GRCh37 (hg19) VCF-style: chr12-70004038-A-C.
Other names: short protein forms V194G.
Identifiers: ClinVar variation 3120386 (VCV003120386.3), dbSNP rs914874087, ClinGen allele CA239126539.